The following is an entry in ClinVar:

ClinVar aggregate classification (germline): Uncertain significance (1 of 4 stars; one submission).

Conditions:
Maturity-onset diabetes of the young (MODY). Also called: Maturity onset diabetes mellitus in young. Identifiers: Orphanet 552, MedGen C0342276, MONDO:0018911, HP:0004904.

Submission:

Clinical Genomics, Uppaluri K&H Personalized Medicine Clinic
Classification: Uncertain significance for Maturity-onset diabetes of the young. Review status: criteria provided, single submitter. Criteria: K & H Uppaluri Personalized Medicine Clinic Variant Classification & Assertion Criteria_Updated V.1. Collection method: research. Allele origin: unknown. Inheritance: Autosomal dominant inheritance.
Comment: Potent mutations in HNF4A are associated with poor insulin secretion in response to hyperglycemia. Associated with MODY1. Patients initially respond well to sulfonylureas but eventually become insulin dependent. However, more evidence is required to ascertain the role of this particular variant rs886056692 in MODY, yet.

Literature cited by the submitters: DOI 10.1159/000334532; PubMed 18268044; PubMed 17563455; PubMed 32583173; PubMed 35052457; PubMed 35118593.

NM_175914.5(HNF4A):c.*2676dup

Gene: HNF4A (hepatocyte nuclear factor 4 alpha; plus strand). Cytogenetic location: 20q13.12.
Variant type: Duplication.
Coding change: c.*2676dup on transcript NM_175914.5 (MANE Select); 2676 bases downstream of the stop codon, one base duplicated (T; older notation c.*2676dupT).
Molecular consequence: 3 prime UTR variant.
Genome position (GRCh38, 1-based): chr20:44,432,341, T duplicated. VCF-style (leftmost placement, unchanged base first): chr20-44432340-C-CT. GRCh37 (hg19) VCF-style: chr20-43060980-C-CT.
Other names: c.*2676dup (NM_000457.6, NM_001030003.3, NM_001258355.2 and 3 more transcripts).
Identifiers: ClinVar variation 338476 (VCV000338476.6), dbSNP rs886056692, ClinGen allele CA10649751.